The following is an entry in ClinVar:

ClinVar aggregate classification (germline): Pathogenic (1 of 4 stars; one submission).

Submission:

Labcorp Genetics (formerly Invitae), Labcorp
Classification: Pathogenic. Last evaluated: 2019-09-21. Review status: criteria provided, single submitter. Criteria: Invitae Variant Classification Sherloc (09022015). Collection method: clinical testing. Allele origin: germline.
Comment: This sequence change inserts a large fragment of DNA, likely a transposable element, in exon 45 of the USH2A gene (c.8932_8933insSVA), causing a frameshift at codon 2978 (p.Asp2978Glyfs*56). The exact size and sequence of the insertion cannot be determined by the current assay. However, the insertion is expected to result in an absent or disrupted protein product. This variant is not present in population databases (ExAC no frequency). This variant has not been reported in the literature in individuals with USH2A-related conditions. Algorithms developed to predict the effect of sequence changes on RNA splicing suggest that this variant may create or strengthen a splice site, but this prediction has not been confirmed by published transcriptional studies. Retrotransposon insertions including LINE1 (L1), Alu, and SVA (SINE-VNTR-Alu) have been reported to be disease-causing through disruption of either a coding region or splice site (PMID: 19763152, 20307669, 22406018) and loss-of-function variants in USH2A are known to be pathogenic (PMID: 10729113, 10909849, 20507924, 25649381). For these reasons, this variant has been classified as Pathogenic.

Literature cited by the submitters: PubMed 25649381; PubMed 20307669; PubMed 22406018; PubMed 10729113; PubMed 10909849; PubMed 19763152; PubMed 20507924.

NM_206933.4(USH2A):c.8932_8933insSVAelement

Gene: USH2A (usherin; minus strand). Cytogenetic location: 1q41.
Variant type: Insertion.
Coding change: c.8932_8933insSVAelement on transcript NM_206933.4; coding-DNA positions 8932 to 8933, an insertion.
Other names: NM_206933.2:c.8932_8933insSVA.
Identifiers: ClinVar variation 870237 (VCV000870237.1).